The following is an entry in ClinVar:

ClinVar aggregate classification (germline): Uncertain significance (1 of 4 stars; one submission).

gnomAD v4.1: 16 of 1,613,984 alleles (0.00099%); highest among the groups gnomAD compares: Non-Finnish European, 0.0014%; no homozygotes.

Submission:

Labcorp Genetics (formerly Invitae), Labcorp
Classification: Uncertain significance. Last evaluated: 2023-09-20. Review status: criteria provided, single submitter. Criteria: Invitae Variant Classification Sherloc (09022015). Collection method: clinical testing. Allele origin: germline.
Comment: In summary, the available evidence is currently insufficient to determine the role of this variant in disease. Therefore, it has been classified as a Variant of Uncertain Significance. Algorithms developed to predict the effect of missense changes on protein structure and function output the following: SIFT: "Not Available"; PolyPhen-2: "Benign"; Align-GVGD: "Not Available". The histidine amino acid residue is found in multiple mammalian species, which suggests that this missense change does not adversely affect protein function. This variant has not been reported in the literature in individuals affected with MS4A1-related conditions. This variant is present in population databases (rs745437493, gnomAD 0.002%). This sequence change replaces tyrosine, which is neutral and polar, with histidine, which is basic and polar, at codon 161 of the MS4A1 protein (p.Tyr161His).

NM_152866.3(MS4A1):c.481T>C (p.Tyr161His)

Gene: MS4A1 (membrane spanning 4-domains A1; plus strand). Cytogenetic location: 11q12.2.
Variant type: single nucleotide variant.
Coding change: c.481T>C on transcript NM_152866.3 (MANE Select); coding-DNA position 481, T replaced by C.
Protein change: p.Tyr161His; replaces tyrosine 161 with histidine.
Molecular consequence: missense variant.
Genome position (GRCh38, 1-based): chr11:60,466,065, T>C. VCF-style: chr11-60466065-T-C. GRCh37 (hg19) VCF-style: chr11-60233538-T-C.
Other names: c.481T>C, p.Tyr161His (NM_021950.4, NM_152867.2); short protein forms Y161H.
Identifiers: ClinVar variation 2881996 (VCV002881996.3), dbSNP rs745437493, ClinGen allele CA6024996.